The following is an entry in ClinVar:

ClinVar aggregate classification (germline): Uncertain significance (1 of 4 stars; one submission).

Allele frequency attached by ClinVar (database versions not stated): gnomAD 0.00001; TOPMed 0.00001; ExAC 0.00004.
gnomAD v4.1: 18 of 1,608,720 alleles (0.0011%); highest among the groups gnomAD compares: East Asian, 0.0022%; no homozygotes.

Submission:

CeGaT Center for Human Genetics Tuebingen
Classification: Uncertain significance. Last evaluated: 2022-06-01. Review status: criteria provided, single submitter. Criteria: CeGaT Center For Human Genetics Tuebingen Variant Classification Criteria Version 2. Collection method: clinical testing. Allele origin: germline. Affected: yes. Observed: 1 variant allele.
Comment: CACNA1G: PM2:Supporting

NM_018896.5(CACNA1G):c.3344G>A (p.Arg1115His)

Gene: CACNA1G (calcium voltage-gated channel subunit alpha1 G; plus strand). Cytogenetic location: 17q21.33.
Variant type: single nucleotide variant.
Coding change: c.3344G>A on transcript NM_018896.5 (MANE Select); coding-DNA position 3344, G replaced by A.
Protein change: p.Arg1115His; replaces arginine 1115 with histidine.
Molecular consequence: missense variant. On other transcripts: non-coding transcript variant (5).
Genome position (GRCh38, 1-based): chr17:50,599,513, G>A. VCF-style: chr17-50599513-G-A. GRCh37 (hg19) VCF-style: chr17-48676874-G-A.
Other names: c.3344G>A, p.Arg1115His (NM_001256324.2, NM_001256325.2, NM_001256359.2 and 16 more transcripts); c.3275G>A, p.Arg1092His (NM_198376.3, NM_198379.3, NM_198382.3 and 5 more transcripts); short protein forms R1092H, R1115H.
Identifiers: ClinVar variation 2647912 (VCV002647912.24), dbSNP rs765552890, ClinGen allele CA8652700.